The following is an entry in ClinVar:

ClinVar aggregate classification (germline): Uncertain significance (0 of 4 stars; one submission).

Conditions:
Prostate cancer. Also called: Malignant tumor of prostate. Identifiers: Orphanet 1331, MedGen C0376358, MONDO:0008315, HP:0012125.

Submission:

Science for Life laboratory,  Karolinska Institutet
Classification: Uncertain significance for Malignant tumor of prostate. Review status: no assertion criteria provided. Collection method: not provided. Allele origin: somatic.
Comment: TumorID:SWE-6
ClinVar note: Converted during submission from Unknown to Uncertain significance.

NM_018557.3(LRP1B):c.6648G>T (p.Glu2216Asp)

Gene: LRP1B (LDL receptor related protein 1B; minus strand). Cytogenetic location: 2q22.1.
Variant type: single nucleotide variant.
Coding change: c.6648G>T on transcript NM_018557.3 (MANE Select); coding-DNA position 6648, G replaced by T.
Protein change: p.Glu2216Asp; replaces glutamic acid 2216 with aspartic acid.
Molecular consequence: missense variant.
Genome position (GRCh38, 1-based): chr2:140,700,401, C>A on the plus strand (G>T on the coding strand, the complement: LRP1B is on the minus strand). VCF-style: chr2-140700401-C-A. GRCh37 (hg19) VCF-style: chr2-141457970-C-A.
Other names: short protein forms E2216D.
Identifiers: ClinVar variation 161720 (VCV000161720.2), dbSNP rs193921022, ClinGen allele CA174660.